The following is an entry in ClinVar:

NM_003919.3(SGCE):c.1277T>C (p.Ile426Thr)

Genes: CASD1 (CAS1 domain sialic acid O acetyltransferase 1; plus strand), SGCE (sarcoglycan epsilon; minus strand). Cytogenetic location: 7q21.3.
Variant type: single nucleotide variant.
Coding change: c.1277T>C on transcript NM_003919.3 (MANE Select); coding-DNA position 1277, T replaced by C.
Protein change: p.Ile426Thr; replaces isoleucine 426 with threonine.
Molecular consequence: missense variant.
Genome position (GRCh38, 1-based): chr7:94,588,709, A>G on the plus strand (T>C on the coding strand, the complement: SGCE is on the minus strand). VCF-style: chr7-94588709-A-G. GRCh37 (hg19) VCF-style: chr7-94218021-A-G.
Other names: c.1250T>C, p.Ile417Thr (NM_001099400.2, NM_001346717.2); c.1352T>C, p.Ile451Thr (NM_001099401.2); c.1154T>C, p.Ile385Thr (NM_001301139.2); c.1385T>C, p.Ile462Thr (NM_001346713.2); c.1358T>C, p.Ile453Thr (NM_001346715.2); c.1190T>C, p.Ile397Thr (NM_001346719.2); c.1004T>C, p.Ile335Thr (NM_001346720.2); c.1163T>C, p.Ile388Thr (NM_001362807.2); and 2 more; short protein forms I417T, I451T, I453T, I335T, I326T, I397T, I462T, I376T.
Identifiers: ClinVar variation 849687 (VCV000849687.18), dbSNP rs1023091295, ClinGen allele CA368228264.

ClinVar aggregate classification (germline): Uncertain significance. Review status: criteria provided, multiple submitters, no conflicts (2 of 4 stars). 3 submissions from 3 submitters: Uncertain significance (3). Last evaluated 2025-12-21.

Conditions:
Myoclonic dystonia 11 (DYT11). Also called: SGCE Myoclonus-Dystonia; Myoclonus-Dystonia; Myoclonic dystonia; Dystonia 11; Dystonia, alcohol responsive; Hereditary essential myoclonus. Identifiers: Orphanet 36899, MedGen C1834570, MONDO:0008044, OMIM 159900.

Allele frequency attached by ClinVar (database versions not stated): gnomAD exomes below 0.00001.
gnomAD v4.1: 3 of 1,609,688 alleles (0.00019%); highest among the groups gnomAD compares: South Asian, 0.0011%; no homozygotes.

Submissions (3):

Labcorp Genetics (formerly Invitae), Labcorp
Classification: Uncertain significance for Myoclonic dystonia 11. Last evaluated: 2025-12-21. Review status: criteria provided, single submitter. Criteria: Invitae Variant Classification Sherloc (09022015). Collection method: clinical testing. Allele origin: germline.
Comment: This sequence change replaces isoleucine, which is neutral and non-polar, with threonine, which is neutral and polar, at codon 426 of the SGCE protein (p.Ile426Thr). This variant is present in population databases (no rsID available, gnomAD 0.002%). This variant has not been reported in the literature in individuals affected with SGCE-related conditions. ClinVar contains an entry for this variant (Variation ID: 849687). An algorithm developed to predict the effect of missense changes on protein structure and function (PolyPhen-2) suggests that this variant is likely to be disruptive. In summary, the available evidence is currently insufficient to determine the role of this variant in disease. Therefore, it has been classified as a Variant of Uncertain Significance.

CeGaT Center for Human Genetics Tuebingen
Classification: Uncertain significance. Last evaluated: 2025-11-01. Review status: criteria provided, single submitter. Criteria: CeGaT Center For Human Genetics Tuebingen Variant Classification Criteria Version 2. Collection method: clinical testing. Allele origin: germline. Affected: yes. Observed: 1 variant allele.
Comment: SGCE: PM2, PP3

Revvity Omics, Revvity
Classification: Uncertain significance for Myoclonic dystonia 11. Last evaluated: 2022-05-26. Review status: criteria provided, single submitter. Criteria: ACMG Guidelines, 2015. Collection method: clinical testing. Allele origin: germline.